The following is an entry in ClinVar:

ClinVar aggregate classification (germline): Uncertain significance (1 of 4 stars; one submission).

Submission:

Dasa
Classification: Uncertain significance. Last evaluated: 2025-04-30. Review status: criteria provided, single submitter. Criteria: DASA Assertion Criteria. Collection method: clinical testing. Allele origin: germline.
Comment: NM_182641.4(BPTF):c.458A>G (p.Glu153Gly) is a missense variant that results in the substitution of glutamic acid with glycine. This variant is absent from population databases. Computational prediction algorithms are consistent with a benign effect. The currently available literature and clinical evidence are not sufficient to establish a definitive association between this variant and the reported condition. Therefore, this variant is classified as a variant of uncertain significance.

NM_182641.4(BPTF):c.458A>G (p.Glu153Gly)

Genes: BPTF (bromodomain PHD finger transcription factor; plus strand), LOC130061496 (ATAC-STARR-seq lymphoblastoid active region 12632; plus strand). Cytogenetic location: 17q24.2.
Variant type: single nucleotide variant.
Coding change: c.458A>G on transcript NM_182641.4 (MANE Select); coding-DNA position 458, A replaced by G.
Protein change: p.Glu153Gly; replaces glutamic acid 153 with glycine.
Molecular consequence: missense variant.
Genome position (GRCh38, 1-based): chr17:67,826,182, A>G. VCF-style: chr17-67826182-A-G. GRCh37 (hg19) VCF-style: chr17-65822298-A-G.
Other names: c.458A>G, p.Glu153Gly (NM_001439139.1, NM_001439140.1, NM_001439141.1 and 4 more transcripts); short protein forms E153G.
Identifiers: ClinVar variation 4885972 (VCV004885972.2).